The following is an entry in ClinVar:

ClinVar aggregate classification (germline): Uncertain significance (1 of 4 stars; one submission).

Conditions:
Leukocyte adhesion deficiency 1 (LAD1). Also called: LEUKOCYTE ADHESION DEFICIENCY, TYPE I; LAD 1; Lymphocyte function-associated antigen 1 immunodeficiency; LFA 1 immunodeficiency. Identifiers: Orphanet 2968, Orphanet 99842, MedGen C0398738, MONDO:0007293, OMIM 116920.

Allele frequency attached by ClinVar (database versions not stated): gnomAD exomes 0.00001; TOPMed 0.00002.
gnomAD v4.1: 16 of 1,613,982 alleles (0.00099%); highest among the groups gnomAD compares: East Asian, 0.0045%; no homozygotes.

Submission:

Labcorp Genetics (formerly Invitae), Labcorp
Classification: Uncertain significance for Leukocyte adhesion deficiency 1. Last evaluated: 2022-08-15. Review status: criteria provided, single submitter. Criteria: Invitae Variant Classification Sherloc (09022015). Collection method: clinical testing. Allele origin: germline.
Comment: This sequence change replaces arginine, which is basic and polar, with glutamine, which is neutral and polar, at codon 257 of the ITGB2 protein (p.Arg257Gln). This variant is present in population databases (no rsID available, gnomAD 0.006%). This variant has not been reported in the literature in individuals affected with ITGB2-related conditions. ClinVar contains an entry for this variant (Variation ID: 947054). Algorithms developed to predict the effect of missense changes on protein structure and function (SIFT, PolyPhen-2, Align-GVGD) all suggest that this variant is likely to be disruptive. Algorithms developed to predict the effect of sequence changes on RNA splicing suggest that this variant may create or strengthen a splice site. In summary, the available evidence is currently insufficient to determine the role of this variant in disease. Therefore, it has been classified as a Variant of Uncertain Significance.

NM_000211.5(ITGB2):c.770G>A (p.Arg257Gln)

Gene: ITGB2 (integrin subunit beta 2; minus strand). Cytogenetic location: 21q22.3.
Variant type: single nucleotide variant.
Coding change: c.770G>A on transcript NM_000211.5 (MANE Select); coding-DNA position 770, G replaced by A.
Protein change: p.Arg257Gln; replaces arginine 257 with glutamine.
Molecular consequence: missense variant.
Genome position (GRCh38, 1-based): chr21:44,900,447, C>T on the plus strand (G>A on the coding strand, the complement: ITGB2 is on the minus strand). VCF-style: chr21-44900447-C-T. GRCh37 (hg19) VCF-style: chr21-46320362-C-T.
Other names: c.770G>A, p.Arg257Gln (NM_001127491.3); c.563G>A, p.Arg188Gln (NM_001303238.2); short protein forms R188Q, R257Q.
Identifiers: ClinVar variation 947054 (VCV000947054.6), dbSNP rs1482665972, ClinGen allele CA410475227.